The following is an entry in ClinVar:

NM_031372.4(HNRNPDL):c.1258T>C (p.Tyr420His)

Gene: HNRNPDL (heterogeneous nuclear ribonucleoprotein D like; minus strand). Cytogenetic location: 4q21.22.
Variant type: single nucleotide variant.
Coding change: c.1258T>C on transcript NM_031372.4 (MANE Select); coding-DNA position 1258, T replaced by C.
Protein change: p.Tyr420His; replaces tyrosine 420 with histidine.
Molecular consequence: missense variant. On other transcripts: non-coding transcript variant (1).
Genome position (GRCh38, 1-based): chr4:82,426,064, A>G on the plus strand (T>C on the coding strand, the complement: HNRNPDL is on the minus strand). VCF-style: chr4-82426064-A-G. GRCh37 (hg19) VCF-style: chr4-83347217-A-G.
Other names: c.1087T>C, p.Tyr363His (NM_001207000.1); short protein forms Y363H, Y420H.
Identifiers: ClinVar variation 3368285 (VCV003368285.1).

ClinVar aggregate classification (germline): Uncertain significance (1 of 4 stars; one submission).

Submission:

GeneDx
Classification: Uncertain significance. Last evaluated: 2024-01-23. Review status: criteria provided, single submitter. Criteria: GeneDx Variant Classification Process June 2021. Collection method: clinical testing. Allele origin: germline. Affected: yes.
Comment: Not observed at significant frequency in large population cohorts (gnomAD); In silico analysis supports that this missense variant does not alter protein structure/function; Has not been previously published as pathogenic or benign to our knowledge